The following is an entry in ClinVar:

ClinVar aggregate classification (germline): Uncertain significance (1 of 4 stars; one submission).

Conditions:
Idiopathic generalized epilepsy. Also called: EIG; Generalised epilepsy. Identifiers: MedGen C0270850, MONDO:0005579, OMIM 600669.
Hyperaldosteronism, familial, type IV (HALD4). Also called: FH IV; ALDOSTERONISM, PRIMARY, AND HYPERTENSION. Identifiers: Orphanet 642671, MedGen C4310756, MONDO:0014875, OMIM 617027.

Allele frequency attached by ClinVar (database versions not stated): gnomAD exomes below 0.00001.
gnomAD v4.1: 1 of 1,539,722 alleles (0.000065%); highest among the groups gnomAD compares: Non-Finnish European, 0.000087%; no homozygotes.

Submission:

Labcorp Genetics (formerly Invitae), Labcorp
Classification: Uncertain significance for Idiopathic generalized epilepsy; Hyperaldosteronism, familial, type IV. Last evaluated: 2021-03-13. Review status: criteria provided, single submitter. Criteria: Invitae Variant Classification Sherloc (09022015). Collection method: clinical testing. Allele origin: germline.
Comment: In summary, the available evidence is currently insufficient to determine the role of this variant in disease. Therefore, it has been classified as a Variant of Uncertain Significance. Advanced modeling of protein sequence and biophysical properties (such as structural, functional, and spatial information, amino acid conservation, physicochemical variation, residue mobility, and thermodynamic stability) performed at Invitae indicates that this missense variant is not expected to disrupt CACNA1H protein function. This variant has not been reported in the literature in individuals with CACNA1H-related conditions. This variant is not present in population databases (ExAC no frequency). This sequence change replaces glutamic acid with lysine at codon 2195 of the CACNA1H protein (p.Glu2195Lys). The glutamic acid residue is weakly conserved and there is a small physicochemical difference between glutamic acid and lysine.

NM_021098.3(CACNA1H):c.6583G>A (p.Glu2195Lys)

Gene: CACNA1H (calcium voltage-gated channel subunit alpha1 H; plus strand). Cytogenetic location: 16p13.3.
Variant type: single nucleotide variant.
Coding change: c.6583G>A on transcript NM_021098.3 (MANE Select); coding-DNA position 6583, G replaced by A.
Protein change: p.Glu2195Lys; replaces glutamic acid 2195 with lysine.
Molecular consequence: missense variant.
Genome position (GRCh38, 1-based): chr16:1,220,515, G>A. VCF-style: chr16-1220515-G-A. GRCh37 (hg19) VCF-style: chr16-1270515-G-A.
Other names: c.6565G>A, p.Glu2189Lys (NM_001005407.2); short protein forms E2189K, E2195K.
Identifiers: ClinVar variation 1378728 (VCV001378728.8), dbSNP rs1555521047, ClinGen allele CA394150009.